The following is an entry in ClinVar:

ClinVar aggregate classification (germline): Uncertain significance (1 of 4 stars; one submission).

Conditions:
Hyperammonemic encephalopathy due to carbonic anhydrase VA deficiency. Also called: Carbonic Anhydrase VA Deficiency; Carbonic anhydrase VA deficiency, hyperammonemia due to. Identifiers: Orphanet 401948, MedGen C4706871, MONDO:0014332, OMIM 615751.

gnomAD v4.1: 1 of 1,508,200 alleles (0.000066%); no homozygotes.

Submission:

Labcorp Genetics (formerly Invitae), Labcorp
Classification: Uncertain significance for Hyperammonemic encephalopathy due to carbonic anhydrase VA deficiency. Last evaluated: 2024-10-29. Review status: criteria provided, single submitter. Criteria: Invitae Variant Classification Sherloc (09022015). Collection method: clinical testing. Allele origin: germline.
Comment: This sequence change replaces glutamine, which is neutral and polar, with histidine, which is basic and polar, at codon 258 of the CA5A protein (p.Gln258His). This variant also falls at the last nucleotide of exon 6, which is part of the consensus splice site for this exon. This variant is not present in population databases (gnomAD no frequency). This variant has not been reported in the literature in individuals affected with CA5A-related conditions. ClinVar contains an entry for this variant (Variation ID: 1940348). An algorithm developed to predict the effect of missense changes on protein structure and function (PolyPhen-2) suggests that this variant is likely to be disruptive. Variants that disrupt the consensus splice site are a relatively common cause of aberrant splicing (PMID: 17576681, 9536098). Algorithms developed to predict the effect of sequence changes on RNA splicing suggest that this variant may disrupt the consensus splice site. In summary, the available evidence is currently insufficient to determine the role of this variant in disease. Therefore, it has been classified as a Variant of Uncertain Significance.

Literature cited by the submitters: PubMed 17576681; PubMed 9536098.

NM_001739.2(CA5A):c.774G>C (p.Gln258His)

Gene: CA5A (carbonic anhydrase 5A; minus strand). Cytogenetic location: 16q24.2.
Variant type: single nucleotide variant.
Coding change: c.774G>C on transcript NM_001739.2 (MANE Select); coding-DNA position 774, G replaced by C.
Protein change: p.Gln258His; replaces glutamine 258 with histidine.
Molecular consequence: missense variant. On other transcripts: non-coding transcript variant (2).
Genome position (GRCh38, 1-based): chr16:87,891,799, C>G on the plus strand (G>C on the coding strand, the complement: CA5A is on the minus strand). VCF-style: chr16-87891799-C-G. GRCh37 (hg19) VCF-style: chr16-87925405-C-G.
Other names: c.774G>C, p.Gln258His (NM_001367225.1); short protein forms Q258H.
Identifiers: ClinVar variation 1940348 (VCV001940348.5), dbSNP rs2055718095, ClinGen allele CA397039739.